The following is an entry in ClinVar:

NM_000392.5(ABCC2):c.1356del (p.Phe453fs)

Gene: ABCC2 (ATP binding cassette subfamily C member 2; plus strand). Cytogenetic location: 10q24.2.
Variant type: Deletion.
Coding change: c.1356del on transcript NM_000392.5 (MANE Select); coding-DNA position 1356, one base deleted (C; older notation c.1356delC).
Protein change: p.Phe453fs; shifts the reading frame from phenylalanine 453.
Molecular consequence: frameshift variant.
Genome position (GRCh38, 1-based): chr10:99,804,165, C deleted. VCF-style (leftmost placement, unchanged base first): chr10-99804164-TC-T. GRCh37 (hg19) VCF-style: chr10-101563921-TC-T.
Other names: short protein forms F453fs.
Identifiers: ClinVar variation 3391199 (VCV003391199.1).

ClinVar aggregate classification (germline): Likely pathogenic (1 of 4 stars; one submission).

Conditions:
Dubin-Johnson syndrome (DJS). Also called: HYPERBILIRUBINEMIA, DUBIN-JOHNSON TYPE; Jaundice, Chronic Idiopathic; Hyperbilirubinemia type 2. Identifiers: Orphanet 234, MedGen C0022350, MONDO:0009380, OMIM 237500.

Submission:

Neuberg Centre For Genomic Medicine, NCGM
Classification: Likely pathogenic for Dubin-Johnson syndrome. Last evaluated: 2023-06-22. Review status: criteria provided, single submitter. Criteria: ACMG Guidelines, 2015. Collection method: clinical testing. Allele origin: germline. Inheritance: Autosomal recessive inheritance. Affected: yes.
Comment: The frameshift variant c.1356del p.Phe453SerfsTer12 in the ABCC2 gene has not been reported previously as a pathogenic variant nor as a benign variant, to our knowledge. The variant is absent in the gnomAD Exomes. This variant causes a frameshift starting with codon Phenylalanine 453, changes this amino acid to Serine residue, and creates a premature Stop codon at position 12 of the new reading frame. This variant is predicted to cause loss of normal protein function through protein truncation. Loss of function variants have been previously reported to be disease causing Liu T, et. al., 2023. For these reasons, this variant has been classified as Likely Pathogenic.